The following is an entry in ClinVar:

ClinVar aggregate classification (germline): Uncertain significance. Review status: criteria provided, multiple submitters, no conflicts (2 of 4 stars). 2 submissions from 2 submitters: Uncertain significance (2). Last evaluated 2022-04-06.

Conditions:
Dyskeratosis congenita, autosomal dominant 2. Identifiers: MedGen C3151443, MONDO:0013521, OMIM 613989.
Idiopathic Pulmonary Fibrosis. Also called: Idiopathic fibrosing alveolitis, chronic form; idiopathic fibrosing alveolitis. Identifiers: Orphanet 2032, MedGen C1800706, MeSH D054990, MONDO:0800504.
Dyskeratosis congenita. Identifiers: Orphanet 1775, MedGen C0265965, MONDO:0015780.

Allele frequency attached by ClinVar (database versions not stated): gnomAD exomes below 0.00001.
gnomAD v4.1: 1 of 1,612,888 alleles (0.000062%); highest among the groups gnomAD compares: Middle Eastern, 0.016%; no homozygotes.

Submissions (2):

Ambry Genetics
Classification: Uncertain significance for Dyskeratosis congenita. Last evaluated: 2022-04-06. Review status: criteria provided, single submitter. Criteria: Ambry Variant Classification Scheme 2023. Collection method: clinical testing. Allele origin: germline.
Comment: The p.S523R variant (also known as c.1569C>G), located in coding exon 2 of the TERT gene, results from a C to G substitution at nucleotide position 1569. The serine at codon 523 is replaced by arginine, an amino acid with dissimilar properties. This amino acid position is conserved. In addition, this alteration is predicted to be tolerated by in silico analysis. Since supporting evidence is limited at this time, the clinical significance of this alteration remains unclear.

Labcorp Genetics (formerly Invitae), Labcorp
Classification: Uncertain significance for Dyskeratosis congenita, autosomal dominant 2; Idiopathic Pulmonary Fibrosis. Last evaluated: 2016-12-19. Review status: criteria provided, single submitter. Criteria: Invitae Variant Classification Sherloc (09022015). Collection method: clinical testing. Allele origin: germline.
Comment: In summary, this variant is a novel missense change that is not predicted to affect protein function. There is no indication that it causes disease, but the available evidence is currently insufficient to prove that conclusively. Therefore, it has been classified as a Variant of Uncertain Significance. Algorithms developed to predict the effect of missense changes on protein structure and function output the following: (SIFT: "Tolerated"; PolyPhen-2: "Benign"; Align-GVGD: "Class C0"). The arginine amino acid residue is found in multiple mammalian species, suggesting that this missense change does not adversely affect protein function. These predictions have not been confirmed by published functional studies. This variant is not present in population databases (ExAC no frequency) and has not been reported in the literature in individuals with a TERT-related disease. This sequence change replaces serine with arginine at codon 523 of the TERT protein (p.Ser523Arg). The serine residue is moderately conserved and there is a moderate physicochemical difference between serine and arginine.

NM_198253.3(TERT):c.1569C>G (p.Ser523Arg)

Gene: TERT (telomerase reverse transcriptase; minus strand). Cytogenetic location: 5p15.33.
Variant type: single nucleotide variant.
Coding change: c.1569C>G on transcript NM_198253.3 (MANE Select); coding-DNA position 1569, C replaced by G.
Protein change: p.Ser523Arg; replaces serine 523 with arginine.
Molecular consequence: missense variant. On other transcripts: non-coding transcript variant (2).
Genome position (GRCh38, 1-based): chr5:1,293,317, G>C on the plus strand (C>G on the coding strand, the complement: TERT is on the minus strand). VCF-style: chr5-1293317-G-C. GRCh37 (hg19) VCF-style: chr5-1293432-G-C.
Other names: c.1569C>G, p.Ser523Arg (NM_001193376.3); short protein forms S523R.
Identifiers: ClinVar variation 410696 (VCV000410696.11), dbSNP rs1060503014, ClinGen allele CA16611722.